The following is an entry in ClinVar:

NM_001114753.3(ENG):c.1130T>C (p.Val377Ala)

Gene: ENG (endoglin; minus strand). Cytogenetic location: 9q34.11.
Variant type: single nucleotide variant.
Coding change: c.1130T>C on transcript NM_001114753.3 (MANE Select); coding-DNA position 1130, T replaced by C.
Protein change: p.Val377Ala; replaces valine 377 with alanine.
Molecular consequence: missense variant.
Genome position (GRCh38, 1-based): chr9:127,824,308, A>G on the plus strand (T>C on the coding strand, the complement: ENG is on the minus strand). VCF-style: chr9-127824308-A-G. GRCh37 (hg19) VCF-style: chr9-130586587-A-G.
Other names: c.1130T>C, p.Val377Ala (NM_000118.4, NM_001406715.1); c.584T>C, p.Val195Ala (NM_001278138.2); short protein forms V377A, V195A.
Identifiers: ClinVar variation 2277204 (VCV002277204.3), dbSNP rs1285451163, ClinGen allele CA374980605.

ClinVar aggregate classification (germline): Uncertain significance (1 of 4 stars; one submission).

Conditions:
Cardiovascular phenotype. Identifiers: MedGen CN230736.

Allele frequency attached by ClinVar (database versions not stated): gnomAD exomes 0.00001.
gnomAD v4.1: 3 of 1,613,964 alleles (0.00019%); highest among the groups gnomAD compares: East Asian, 0.0022%; no homozygotes.

Submission:

Ambry Genetics
Classification: Uncertain significance for Cardiovascular phenotype. Last evaluated: 2026-07-13. Review status: criteria provided, single submitter. Criteria: Ambry Variant Classification Scheme 2023. Collection method: clinical testing. Allele origin: germline.
Comment: The p.V377A variant (also known as c.1130T>C), located in coding exon 8 of the ENG gene, results from a T to C substitution at nucleotide position 1130. The valine at codon 377 is replaced by alanine, an amino acid with similar properties. This amino acid position is conserved. In addition, this alteration is predicted to be tolerated by in silico analysis. Based on the available evidence, the clinical significance of this variant remains unclear.